The following is an entry in ClinVar:

ClinVar aggregate classification (germline): Pathogenic (1 of 4 stars; one submission).

Conditions:
Spondyloepimetaphyseal dysplasia, Isidor-Toutain type. Identifiers: MedGen C5231478, MONDO:0032885, OMIM 618728.

Submission:

Center for Human Genetics and Genomic Medicine, Uniklinik Rwth Aachen
Classification: Pathogenic for Spondyloepimetaphyseal dysplasia, Isidor-Toutain type. Last evaluated: 2023-12-14. Review status: criteria provided, single submitter. Criteria: ACMG Guidelines, 2015. Collection method: clinical testing. Allele origin: maternal. Inheritance: Autosomal dominant inheritance. Affected: yes. Observed: 1 heterozygote.
Comment: Splice variants in RPL13 have been described as pathogenic before. We have therefore classified the variant as pathogenic.

NM_000977.4(RPL13):c.478-1G>T

Gene: RPL13 (ribosomal protein L13; plus strand). Cytogenetic location: 16q24.3.
Variant type: single nucleotide variant.
Coding change: c.478-1G>T on transcript NM_000977.4 (MANE Select); the canonical splice acceptor site of the intron before coding-DNA position 478, G replaced by T.
Molecular consequence: splice acceptor variant.
Genome position (GRCh38, 1-based): chr16:89,562,883, G>T. VCF-style: chr16-89562883-G-T. GRCh37 (hg19) VCF-style: chr16-89629291-G-T.
Other names: c.337-1G>T (NM_001243131.1); c.478-1G>T (NM_033251.2).
Identifiers: ClinVar variation 2671824 (VCV002671824.2), dbSNP rs111631219, ClinGen allele CA397422296.